The following is an entry in ClinVar:

NM_002204.4(ITGA3):c.2795G>A (p.Arg932Gln)

Gene: ITGA3 (integrin subunit alpha 3; plus strand). Cytogenetic location: 17q21.33.
Variant type: single nucleotide variant.
Coding change: c.2795G>A on transcript NM_002204.4 (MANE Select); coding-DNA position 2795, G replaced by A.
Protein change: p.Arg932Gln; replaces arginine 932 with glutamine.
Molecular consequence: missense variant.
Genome position (GRCh38, 1-based): chr17:50,080,350, G>A. VCF-style: chr17-50080350-G-A. GRCh37 (hg19) VCF-style: chr17-48157714-G-A.
Other names: NM_005501.2:c.2795G>A; short protein forms R932Q.
Identifiers: ClinVar variation 1900829 (VCV001900829.7), dbSNP rs781502548, ClinGen allele CA8642037.

ClinVar aggregate classification (germline): Uncertain significance. Review status: criteria provided, multiple submitters, no conflicts (2 of 4 stars). 3 submissions from 3 submitters: Uncertain significance (3). Last evaluated 2025-04-14.

Conditions:
Inborn genetic diseases. Identifiers: MedGen C0950123, MeSH D030342.
Epidermolysis bullosa, junctional 7, with interstitial lung disease and nephrotic syndrome. Also called: Interstitial lung disease, nephrotic syndrome, and epidermolysis bullosa, congenital; Interstitial Lung Disease with Nephrotic Syndrome and Epidermolysis Bullosa. Identifiers: Orphanet 306504, MedGen C4518785, MONDO:0013881, OMIM 614748.

Allele frequency attached by ClinVar (database versions not stated): gnomAD 0.00004; ExAC 0.00005; TOPMed 0.00006; gnomAD exomes 0.00017.
gnomAD v4.1: 240 of 1,612,556 alleles (0.015%); highest among the groups gnomAD compares: Non-Finnish European, 0.02%; no homozygotes.

Submissions (4):

Ambry Genetics
Classification: Uncertain significance for Inborn genetic diseases. Last evaluated: 2025-04-14. Review status: criteria provided, single submitter. Criteria: Ambry Variant Classification Scheme 2023. Collection method: clinical testing. Allele origin: germline.

Fulgent Genetics
Classification: Uncertain significance for Epidermolysis bullosa, junctional 7, with interstitial lung disease and nephrotic syndrome. Last evaluated: 2024-05-22. Review status: criteria provided, single submitter. Criteria: ACMG Guidelines, 2015. Collection method: clinical testing. Allele origin: germline.

Labcorp Genetics (formerly Invitae), Labcorp
Classification: Uncertain significance. Last evaluated: 2022-03-11. Review status: criteria provided, single submitter. Criteria: Invitae Variant Classification Sherloc (09022015). Collection method: clinical testing. Allele origin: germline.
Comment: This sequence change replaces arginine, which is basic and polar, with glutamine, which is neutral and polar, at codon 932 of the ITGA3 protein (p.Arg932Gln). This variant is present in population databases (rs781502548, gnomAD 0.01%). This variant has not been reported in the literature in individuals affected with ITGA3-related conditions. Algorithms developed to predict the effect of missense changes on protein structure and function are either unavailable or do not agree on the potential impact of this missense change (SIFT: "Tolerated"; PolyPhen-2: "Probably Damaging"; Align-GVGD: "Class C0"). In summary, the available evidence is currently insufficient to determine the role of this variant in disease. Therefore, it has been classified as a Variant of Uncertain Significance.

Dr. Peter K. Rogan Lab, Western University
No classification provided (evidence only). Condition: Familial cancer of breast. Review status: no classification provided. Collection method: in vitro. Allele origin: not applicable. Functional consequence: retained intron. Not counted in ClinVar's aggregate classification.